The following is an entry in ClinVar:

ClinVar aggregate classification (germline): Pathogenic. Review status: reviewed by expert panel (3 of 4 stars). 2 submissions from 2 submitters: Pathogenic (1). 1 of the submissions does not count toward it. Last evaluated 2017-12-15.

Conditions:
Hereditary breast ovarian cancer syndrome. Also called: Hereditary breast and ovarian cancer syndrome (HBOC); BRCA1- and BRCA2-Associated Hereditary Breast and Ovarian Cancer; Hereditary breast and/or ovarian cancer syndrome; Hereditary breast and ovarian cancer syndrome; Hereditary breast and ovarian cancer; Breast and ovarian cancer. Identifiers: Orphanet 145, MedGen C0677776, MeSH D061325, MONDO:0003582. Disease mechanism: loss of function.
Breast-ovarian cancer, familial, susceptibility to, 1 (BROVCA1). Also called: BRCA1 Hereditary Breast and Ovarian Cancer; OVARIAN CANCER, SUSCEPTIBILITY TO. Identifiers: Orphanet 145, MedGen C2676676, MONDO:0011450, OMIM 604370. Disease mechanism: loss of function.

Submissions (2):

Evidence-based Network for the Interpretation of Germline Mutant Alleles (ENIGMA)
Classification: Pathogenic for Breast-ovarian cancer, familial, susceptibility to, 1. Last evaluated: 2017-12-15. Review status: reviewed by expert panel. Criteria: ENIGMA BRCA1/2 Classification Criteria (2017-06-29). Collection method: curation. Allele origin: germline. Study: ENIGMA.
Comment: Variant allele predicted to encode a truncated non-functional protein.

Research Molecular Genetics Laboratory, Women's College Hospital, University of Toronto
Classification: Pathogenic for Hereditary breast ovarian cancer syndrome. Last evaluated: 2014-01-31. Review status: no assertion criteria provided. Collection method: research. Allele origin: germline. Affected: yes. Study: The Canadian Open Genetics Repository (COGR). Not counted in ClinVar's aggregate classification.

NM_007294.4(BRCA1):c.3056_3059del (p.Ile1019fs)

Gene: BRCA1 (BRCA1 DNA repair associated; minus strand). Cytogenetic location: 17q21.31.
Variant type: Deletion.
Coding change: c.3056_3059del on transcript NM_007294.4 (MANE Select); coding-DNA positions 3056 to 3059, 4 bases deleted (TTCC; older notation c.3056_3059delTTCC).
Protein change: p.Ile1019fs; shifts the reading frame from isoleucine 1019.
Molecular consequence: frameshift variant. On other transcripts: intron variant (137).
Genome position (GRCh38, 1-based): chr17:43,092,472-43,092,475, GGAA deleted on the plus strand (TTCC on the coding strand, the reverse complement: BRCA1 is on the minus strand). VCF-style (leftmost placement, unchanged base first): chr17-43092471-TGGAA-T. GRCh37 (hg19) VCF-style: chr17-41244488-TGGAA-T.
Other names: c.2843_2846del, p.Ile948fs (NM_001407571.1, NM_001407853.1, NM_001407894.1 and 9 more transcripts); c.3056_3059del, p.Ile1019fs (NM_001407581.1, NM_001407582.1, NM_001407583.1 and 30 more transcripts); c.3053_3056del, p.Ile1018fs (NM_001407587.1, NM_001407590.1, NM_001407591.1 and 22 more transcripts); c.3047_3050del, p.Ile1016fs (NM_001407646.1, NM_001407647.1); c.2933_2936del, p.Ile978fs (NM_001407648.1, NM_001407664.1, NM_001407665.1 and 19 more transcripts); c.2930_2933del, p.Ile977fs (NM_001407649.1, NM_001407670.1, NM_001407671.1 and 11 more transcripts); c.2978_2981del, p.Ile993fs (NM_001407653.1, NM_001407654.1, NM_001407655.1 and 4 more transcripts); c.2915_2918del, p.Ile972fs (NM_001407726.1, NM_001407727.1, NM_001407728.1 and 29 more transcripts); and 41 more; short protein forms I1019fs, I972fs, I1018fs, I851fs, I930fs, I951fs, I952fs, I948fs.
Identifiers: ClinVar variation 431238 (VCV000431238.2), dbSNP rs1135401856, ClinGen allele CA645373186.